The following is an entry in ClinVar:

NM_006361.6(HOXB13):c.673A>C (p.Lys225Gln)

Gene: HOXB13 (homeobox B13; minus strand). Cytogenetic location: 17q21.32.
Variant type: single nucleotide variant.
Coding change: c.673A>C on transcript NM_006361.6 (MANE Select); coding-DNA position 673, A replaced by C.
Protein change: p.Lys225Gln; replaces lysine 225 with glutamine.
Molecular consequence: missense variant.
Genome position (GRCh38, 1-based): chr17:48,726,972, T>G on the plus strand (A>C on the coding strand, the complement: HOXB13 is on the minus strand). VCF-style: chr17-48726972-T-G. GRCh37 (hg19) VCF-style: chr17-46804334-T-G.
Other names: short protein forms K225Q.
Identifiers: ClinVar variation 1474192 (VCV001474192.10), dbSNP rs2143067071, ClinGen allele CA400106704.

ClinVar aggregate classification (germline): Uncertain significance. Review status: criteria provided, multiple submitters, no conflicts (2 of 4 stars). 2 submissions from 2 submitters: Uncertain significance (2). Last evaluated 2025-07-02.

Conditions:
Hereditary cancer-predisposing syndrome. Also called: Neoplastic Syndromes, Hereditary; Hereditary Cancer Syndrome; Tumor predisposition; Hereditary neoplastic syndrome. Identifiers: Orphanet 140162, MedGen C0027672, MeSH D009386, MONDO:0015356.

Submissions (2):

Labcorp Genetics (formerly Invitae), Labcorp
Classification: Uncertain significance. Last evaluated: 2025-07-02. Review status: criteria provided, single submitter. Criteria: Invitae Variant Classification Sherloc (09022015). Collection method: clinical testing. Allele origin: germline.
Comment: This sequence change replaces lysine, which is basic and polar, with glutamine, which is neutral and polar, at codon 225 of the HOXB13 protein (p.Lys225Gln). This variant is not present in population databases (gnomAD no frequency). This variant has not been reported in the literature in individuals affected with HOXB13-related conditions. ClinVar contains an entry for this variant (Variation ID: 1474192). Invitae Evidence Modeling of protein sequence and biophysical properties (such as structural, functional, and spatial information, amino acid conservation, physicochemical variation, residue mobility, and thermodynamic stability) has been performed for this missense variant. However, the output from this modeling did not meet the statistical confidence thresholds required to predict the impact of this variant on HOXB13 protein function. In summary, the available evidence is currently insufficient to determine the role of this variant in disease. Therefore, it has been classified as a Variant of Uncertain Significance.

Ambry Genetics
Classification: Uncertain significance for Hereditary cancer-predisposing syndrome. Last evaluated: 2022-07-19. Review status: criteria provided, single submitter. Criteria: Ambry Variant Classification Scheme 2023. Collection method: clinical testing. Allele origin: germline.
Comment: The p.K225Q variant (also known as c.673A>C), located in coding exon 2 of the HOXB13 gene, results from an A to C substitution at nucleotide position 673. The lysine at codon 225 is replaced by glutamine, an amino acid with similar properties. This amino acid position is conserved. In addition, this alteration is predicted to be deleterious by in silico analysis. Since supporting evidence is limited at this time, the clinical significance of this alteration remains unclear.